The following is an entry in ClinVar:

NC_000023.11:g.(?_20155378)_(20176518_?)dup

Gene: RPS6KA3 (ribosomal protein S6 kinase A3; minus strand). Cytogenetic location: Xp22.12.
Variant type: Duplication.
Identifiers: ClinVar variation 832722 (VCV000832722.7).

ClinVar aggregate classification (germline): Uncertain significance (1 of 4 stars; one submission).

Conditions:
Coffin-Lowry syndrome (CLS). Also called: COFFIN-LOWRY SYNDROME, MILD; Mental retardation with osteocartilaginous abnormalities. Identifiers: Orphanet 192, MedGen C0265252, MONDO:0010561, OMIM 303600.
Intellectual developmental disorder, X-linked 19. Also called: Intellectual disability, X-linked 19. Identifiers: Orphanet 777, MedGen C0796225, MONDO:0010447, OMIM 300844.

Submission:

Labcorp Genetics (formerly Invitae), Labcorp
Classification: Uncertain significance for Coffin-Lowry syndrome; Intellectual developmental disorder, X-linked 19. Last evaluated: 2019-12-27. Review status: criteria provided, single submitter. Criteria: Invitae Variant Classification Sherloc (09022015). Collection method: clinical testing. Allele origin: germline.
Comment: In summary, the available evidence is currently insufficient to determine the role of this variant in disease. Therefore, it has been classified as a Variant of Uncertain Significance. Experimental studies and prediction algorithms are not available or were not evaluated, and the functional significance of this variant is currently unknown. This variant has not been reported in the literature in individuals with RPS6KA3-related conditions. This variant results in a copy number gain of the genomic region encompassing exons 12-22 of the RPS6KA3 gene. The 5' boundary is likely confined to intron 11. The 3' end of this event is unknown as it extends beyond the assayed region for this gene and therefore may encompass additional genes. As the precise location of this event is unknown, it may be in tandem or it may be located elsewhere in the genome.